The following is an entry in ClinVar:

NM_004247.4(EFTUD2):c.2544del (p.Val849fs)

Gene: EFTUD2 (elongation factor Tu GTP binding domain containing 2; minus strand). Cytogenetic location: 17q21.31.
Variant type: Deletion.
Coding change: c.2544del on transcript NM_004247.4 (MANE Select); coding-DNA position 2544, one base deleted (C; older notation c.2544delC).
Protein change: p.Val849fs; shifts the reading frame from valine 849.
Molecular consequence: frameshift variant.
Genome position (GRCh38, 1-based): chr17:44,853,313, G deleted on the plus strand (C on the coding strand, the reverse complement: EFTUD2 is on the minus strand); the first of 2 consecutive G bases (chr17:44,853,313-44,853,314); deleting either gives the same sequence. VCF-style (leftmost placement, unchanged base first): chr17-44853312-CG-C. GRCh37 (hg19) VCF-style: chr17-42930680-CG-C.
Other names: c.2439del, p.Val814fs (NM_001142605.2); c.2544del, p.Val849fs (NM_001258353.2); c.2514del, p.Val839fs (NM_001258354.2); short protein forms V849fs, V839fs, V814fs.
Identifiers: ClinVar variation 817333 (VCV000817333.1), dbSNP rs1597788212, ClinGen allele CA915950154.

ClinVar aggregate classification (germline): Pathogenic (1 of 4 stars; one submission).

Submission:

GeneDx
Classification: Pathogenic. Last evaluated: 2018-11-19. Review status: criteria provided, single submitter. Criteria: GeneDx Variant Classification (06012015). Collection method: clinical testing. Allele origin: germline. Affected: yes.
Comment: The c.2544delC pathogenic variant in the EFTUD2 gene causes a frameshift starting with codon Valine 849, changes this amino acid to a Serine residue and creates a premature Stop codon at position 9 of the new reading frame, denoted p.Val849SerfsX9. This pathogenic variant is predicted to cause loss of normal protein function either through protein truncation or nonsense-mediated mRNA decay. The c.2544delC variant is not observed in large population cohorts (Lek et al., 2016).